The following is an entry in ClinVar:

ClinVar aggregate classification (germline): Likely benign (0 of 4 stars; one submission).

Conditions:
KCNH7-related disorder. Also called: KCNH7-related condition.

Allele frequency attached by ClinVar (database versions not stated): gnomAD exomes 0.00003; ExAC 0.00004; TOPMed 0.00016; gnomAD 0.00021; 1000 Genomes Project 30x 0.00047; 1000 Genomes Project 0.00060.
gnomAD v4.1: 77 of 1,613,526 alleles (0.0048%); highest among the groups gnomAD compares: African/African-American, 0.089%; no homozygotes.

Submission:

PreventionGenetics, part of Exact Sciences
Classification: Likely benign for KCNH7-related condition. Last evaluated: 2019-07-11. Review status: no assertion criteria provided. Collection method: clinical testing. Allele origin: germline.
Comment: This variant is classified as likely benign based on ACMG/AMP sequence variant interpretation guidelines (Richards et al. 2015 PMID: 25741868, with internal and published modifications).

NM_033272.4(KCNH7):c.1524C>T (p.Asp508=)

Gene: KCNH7 (potassium voltage-gated channel subfamily H member 7; minus strand). Cytogenetic location: 2q24.2.
Variant type: single nucleotide variant.
Coding change: c.1524C>T on transcript NM_033272.4 (MANE Select); coding-DNA position 1524, C replaced by T.
Protein change: p.Asp508=; no amino-acid change (aspartic acid 508 retained).
Molecular consequence: synonymous variant.
Genome position (GRCh38, 1-based): chr2:162,446,048, G>A on the plus strand (C>T on the coding strand, the complement: KCNH7 is on the minus strand). VCF-style: chr2-162446048-G-A. GRCh37 (hg19) VCF-style: chr2-163302558-G-A.
Other names: c.1503C>T, p.Asp501= (NM_173162.3).
Identifiers: ClinVar variation 3050323 (VCV003050323.2), dbSNP rs142697442, ClinGen allele CA1935678.